The following is an entry in ClinVar:

ClinVar aggregate classification (germline): Conflicting classifications of pathogenicity. Review status: criteria provided, conflicting classifications (1 of 4 stars). 4 submissions from 4 submitters: Likely pathogenic (1); Uncertain significance (3). Last evaluated 2025-08-01.

Conditions:
Aicardi-Goutieres syndrome 5. Identifiers: Orphanet 51, MedGen C2749659, MONDO:0013059, OMIM 612952.
Chilblain lupus 2 (CHBL2). Identifiers: MedGen C3280721, MONDO:0013739, OMIM 614415.

Allele frequency attached by ClinVar (database versions not stated): TOPMed 0.00001.
gnomAD v4.1: 7 of 1,613,510 alleles (0.00043%); no homozygotes.

Submissions (4):

GeneDx
Classification: Likely pathogenic. Last evaluated: 2025-08-01. Review status: criteria provided, single submitter. Criteria: GeneDx Variant Classification Process June 2021. Collection method: clinical testing. Allele origin: germline. Affected: yes.
Comment: Published functional studies demonstrate a damaging effect on oligomerization ability and subcellular localization (PMID: 28229507); Not observed at significant frequency in large population cohorts (gnomAD); In silico analysis supports that this missense variant has a deleterious effect on protein structure/function; This variant is associated with the following publications: (PMID: 28229507, 25604658, 33751400)

Women's Health and Genetics/Laboratory Corporation of America, LabCorp
Classification: Uncertain significance. Last evaluated: 2022-09-16. Review status: criteria provided, single submitter. Criteria: LabCorp Variant Classification Summary - May 2015. Collection method: clinical testing. Allele origin: germline.
Comment: Variant summary: SAMHD1 c.676C>G (p.Arg226Gly) results in a non-conservative amino acid change located in the HD/PDEase (phosphodiesterase) domain (IPR003607) of the encoded protein sequence. Three of five in-silico tools predict a damaging effect of the variant on protein function. The variant allele was found at a frequency of 4e-06 in 251464 control chromosomes (gnomAD). c.676C>G has been reported in the literature in an individual affected with Aicardi Goutieres Syndrome (Crow_2015), however no genotype- and phenotype details were provided. These data do not allow clear conclusions about variant significance. One publication reported experimental evidence evaluating an impact on protein function, and demonstrated that the variant altered subcellular localization (partially nuclear and cytosolic), reduced HIV-1 restriction, strongly reduced oligomerization and resulted in almost complete loss of dNTPase activity (White_2017). One clinical diagnostic laboratory has submitted clinical-significance assessments for this variant to ClinVar after 2014, and classified the variant as uncertain significance. Based on the evidence outlined above, the variant was classified as VUS-possibly pathogenic.

Fulgent Genetics
Classification: Uncertain significance for Aicardi-Goutieres syndrome 5; Chilblain lupus 2. Last evaluated: 2021-07-15. Review status: criteria provided, single submitter. Criteria: ACMG Guidelines, 2015. Collection method: clinical testing. Allele origin: unknown.

New York Genome Center
Classification: Uncertain significance for Aicardi-Goutieres syndrome 5. Last evaluated: 2020-05-15. Review status: criteria provided, single submitter. Criteria: NYGC Assertion Criteria 2020. Collection method: clinical testing. Allele origin: germline. Observed: 1 heterozygote. Study: CSER-NYCKidSeq.

Literature cited by the submitters: PubMed 25604658 (cited by Women's Health and Genetics/Laboratory Corporation of America, LabCorp); PubMed 22461318 (cited by Women's Health and Genetics/Laboratory Corporation of America, LabCorp); PubMed 28229507 (cited by Women's Health and Genetics/Laboratory Corporation of America, LabCorp).

NM_015474.4(SAMHD1):c.676C>G (p.Arg226Gly)

Gene: SAMHD1 (SAM and HD domain containing deoxynucleoside triphosphate triphosphohydrolase 1; minus strand). Cytogenetic location: 20q11.23.
Variant type: single nucleotide variant.
Coding change: c.676C>G on transcript NM_015474.4 (MANE Select); coding-DNA position 676, C replaced by G.
Protein change: p.Arg226Gly; replaces arginine 226 with glycine.
Molecular consequence: missense variant.
Genome position (GRCh38, 1-based): chr20:36,927,202, G>C on the plus strand (C>G on the coding strand, the complement: SAMHD1 is on the minus strand). VCF-style: chr20-36927202-G-C. GRCh37 (hg19) VCF-style: chr20-35555605-G-C.
Other names: c.676C>G, p.Arg226Gly (NM_001363729.2, NM_001363733.2); short protein forms R226G.
Identifiers: ClinVar variation 1341697 (VCV001341697.4), dbSNP rs778647626, ClinGen allele CA408821509.